The following is an entry in ClinVar:

NM_000400.4(ERCC2):c.845G>C (p.Arg282Pro)

Gene: ERCC2 (ERCC excision repair 2, TFIIH core complex helicase subunit; minus strand). Cytogenetic location: 19q13.32.
Variant type: single nucleotide variant.
Coding change: c.845G>C on transcript NM_000400.4 (MANE Select); coding-DNA position 845, G replaced by C.
Protein change: p.Arg282Pro; replaces arginine 282 with proline.
Molecular consequence: missense variant.
Genome position (GRCh38, 1-based): chr19:45,364,090, C>G on the plus strand (G>C on the coding strand, the complement: ERCC2 is on the minus strand). VCF-style: chr19-45364090-C-G. GRCh37 (hg19) VCF-style: chr19-45867348-C-G.
Other names: c.773G>C, p.Arg258Pro (NM_001130867.2); short protein forms R258P, R282P.
Identifiers: ClinVar variation 3231715 (VCV003231715.1), dbSNP rs948547865, ClinGen allele CA406373740.
Genomic context (GRCh38, chr19:45,364,090, plus strand): 5'-TCCGTCTCCCGGGCGGCGCTGGCCTCCCGCAGCCCCTCCACCAGACGCCGGTACTCGTCC[C>G]GCAGGCGCTGCTCGTCTGTCTCTTTGATCCTGCGGAGAGATGAGCTGGGGCTGGGAGGGG-3'
Protein context (NP_000391.1, residues 272-292): RIKETDEQRL[Arg282Pro]DEYRRLVEGL

ClinVar aggregate classification (germline): Uncertain significance (1 of 4 stars; one submission).

Conditions:
Inborn genetic diseases. Identifiers: MedGen C0950123, MeSH D030342.

Submission:

Ambry Genetics
Classification: Uncertain significance for Inborn genetic diseases. Last evaluated: 2024-01-11. Review status: criteria provided, single submitter. Criteria: Ambry Variant Classification Scheme 2023. Collection method: clinical testing. Allele origin: germline.
Comment: The p.R282P variant (also known as c.845G>C), located in coding exon 10 of the ERCC2 gene, results from a G to C substitution at nucleotide position 845. The arginine at codon 282 is replaced by proline, an amino acid with dissimilar properties. This amino acid position is conserved. In addition, the in silico prediction for this alteration is inconclusive. Since supporting evidence is limited at this time, the clinical significance of this alteration remains unclear.